The following is an entry in ClinVar:

ClinVar aggregate classification (germline): Uncertain significance. Review status: criteria provided, single submitter (1 of 4 stars). 2 submissions from 2 submitters: Uncertain significance (1). 1 of the submissions does not count toward it. Last evaluated 2024-11-19.

Conditions:
POLR2A-related disorder. Also called: POLR2A-related condition.

Submissions (2):

GeneDx
Classification: Uncertain significance. Last evaluated: 2024-11-19. Review status: criteria provided, single submitter. Criteria: GeneDx Variant Classification Process June 2021. Collection method: clinical testing. Allele origin: germline. Affected: yes.
Comment: Not observed at significant frequency in large population cohorts (gnomAD); In silico analysis supports that this missense variant has a deleterious effect on protein structure/function; Has not been previously published as pathogenic or benign to our knowledge

PreventionGenetics, part of Exact Sciences
Classification: Uncertain significance for POLR2A-related condition. Last evaluated: 2024-09-20. Review status: no assertion criteria provided. Collection method: clinical testing. Allele origin: germline. Not counted in ClinVar's aggregate classification.
Comment: The POLR2A c.1369A>G variant is predicted to result in the amino acid substitution p.Ile457Val. To our knowledge, this variant has not been reported in the literature or in gnomAD, indicating this variant is rare. At this time, the clinical significance of this variant is uncertain due to the absence of conclusive functional and genetic evidence.

NM_000937.5(POLR2A):c.1369A>G (p.Ile457Val)

Gene: POLR2A (RNA polymerase II subunit A; plus strand). Cytogenetic location: 17p13.1.
Variant type: single nucleotide variant.
Coding change: c.1369A>G on transcript NM_000937.5 (MANE Select); coding-DNA position 1369, A replaced by G.
Protein change: p.Ile457Val; replaces isoleucine 457 with valine.
Molecular consequence: missense variant.
Genome position (GRCh38, 1-based): chr17:7,499,072, A>G. VCF-style: chr17-7499072-A-G. GRCh37 (hg19) VCF-style: chr17-7402391-A-G.
Other names: short protein forms I457V.
Identifiers: ClinVar variation 3345561 (VCV003345561.2).